The following is an entry in ClinVar:

ClinVar aggregate classification (germline): Pathogenic/Likely pathogenic. Review status: criteria provided, multiple submitters, no conflicts (2 of 4 stars). 8 submissions from 8 submitters: Pathogenic (3); Likely pathogenic (4). 1 of the submissions does not count toward it. Last evaluated 2026-09-03.

Conditions:
Oculocutaneous albinism. Identifiers: Orphanet 55, MedGen C0078918, MONDO:0018910.
OCA2-related disorder. Also called: OCA2-related condition.
Tyrosinase-positive oculocutaneous albinism (OCA2). Also called: Oculocutaneous albinism type 2; Albinism, oculocutaneous, type II; ALBINISM II. Identifiers: Orphanet 79432, MedGen C0268495, MONDO:0008746, OMIM 203200.
SKIN/HAIR/EYE PIGMENTATION 1, BLUE/NONBLUE EYES (SHEP1). Also called: SKIN/HAIR/EYE PIGMENTATION 1, BLOND/BROWN HAIR; SKIN/HAIR/EYE PIGMENTATION 1, BLUE/BROWN EYES; BROWN EYE COLOR 2; EYE COLOR 3; EYE COLOR, BLUE/NONBLUE; EYE COLOR, BROWN/BLUE. Identifiers: MedGen C1856895, OMIM 227220.

Allele frequency attached by ClinVar (database versions not stated): ExAC 0.00020; TOPMed 0.00039; ESP Exome Variant Server 0.00008; gnomAD 0.00036 and 0.00019; 1000 Genomes Project 0.00200; gnomAD exomes 0.00013 and 0.00037; 1000 Genomes Project 30x 0.00187.
gnomAD v4.1: 584 of 1,614,090 alleles (0.036%); highest among the groups gnomAD compares: East Asian, 0.95%; 10 homozygotes.

Submissions (8):

PreventionGenetics, part of Exact Sciences
Classification: Likely pathogenic for OCA2-related condition. Last evaluated: 2026-09-03. Review status: criteria provided, single submitter. Criteria: ACMG Guidelines, 2015. Collection method: clinical testing. Allele origin: germline.
Comment: The OCA2 c.1160C>T variant is predicted to result in the amino acid substitution p.Thr387Met. This variant has been reported along with a second OCA2 variant in at least three individuals with oculocutaneous albinism (Table S3, Lasseaux et al. 2018. PubMed ID: 29345414; Table S1, Wei et al. 2021. PubMed ID: 34838614). This variant is present in 0.075% of alleles in individuals of East Asian descent in gnomAD including 10 homozygotes in gnomAD v4 (available only on GRCh38), indicating it is relatively common in this population. This variant is interpreted as likely pathogenic.

Illumina Laboratory Services, Illumina
Classification: Pathogenic for Tyrosinase-positive oculocutaneous albinism. Last evaluated: 2026-08-10. Review status: criteria provided, single submitter. Criteria: ISL SNV Classification Criteria 03 February 2026. Collection method: clinical testing. Allele origin: unknown.
Comment: The OCA2 c.1160C>T (p.Thr387Met) missense variant has been identified in a compound heterozygous state in individuals with a phenotype consistent with ocultaneous albinism, type II (PMID: 29345414; 34838614). The highest frequency of this allele in the Genome Aggregation Database is 0.00013 in the East Asian population which includes 10 homozygotes (version 4.1.1). Multiple lines of computational evidence suggest the variant may impact the gene or gene product. Based on the available evidence, this variant is classified as pathogenic for ocultaneous albinism, type II.

Women's Health and Genetics/Laboratory Corporation of America, LabCorp
Classification: Pathogenic for Oculocutaneous albinism. Last evaluated: 2026-02-02. Review status: criteria provided, single submitter. Criteria: LabCorp Variant Classification Summary - May 2015. Collection method: clinical testing. Allele origin: germline.
Comment: Variant summary: OCA2 c.1160C>T (p.Thr387Met) results in a non-conservative amino acid change in the encoded protein sequence. Algorithms developed to predict the effect of missense changes on protein structure and function all suggest that this variant is likely to be disruptive. The variant allele was found at a frequency of 0.00013 in 251368 control chromosomes (gnomAD). This frequency is not significantly higher than estimated for disease-causing variants in OCA2, allowing no conclusion about variant significance. c.1160C>T has been observed in multiple individuals affected with Oculocutaneous Albinism (e.g. Lasseaux_2018, Wei_2022). These data indicate that the variant is very likely to be associated with disease. The following publications have been ascertained in the context of this evaluation (PMID: 29345414, 34838614). ClinVar contains an entry for this variant (Variation ID: 888403). Based on the evidence outlined above, the variant was classified as pathogenic.

Labcorp Genetics (formerly Invitae), Labcorp
Classification: Pathogenic. Last evaluated: 2026-01-12. Review status: criteria provided, single submitter. Criteria: Invitae Variant Classification Sherloc (09022015). Collection method: clinical testing. Allele origin: germline.
Comment: This sequence change replaces threonine, which is neutral and polar, with methionine, which is neutral and non-polar, at codon 387 of the OCA2 protein (p.Thr387Met). This variant is present in population databases (rs150335311, gnomAD 0.08%). This missense change has been observed in individual(s) with clinical features of oculocutaneous albinism (PMID: 29345414; internal data). ClinVar contains an entry for this variant (Variation ID: 888403). Invitae Evidence Modeling of protein sequence and biophysical properties (such as structural, functional, and spatial information, amino acid conservation, physicochemical variation, residue mobility, and thermodynamic stability) has been performed for this missense variant. However, the output from this modeling did not meet the statistical confidence thresholds required to predict the impact of this variant on OCA2 protein function. For these reasons, this variant has been classified as Pathogenic.

Blueprint Genetics
Classification: Likely pathogenic for OCA2-related disorders. Last evaluated: 2024-11-11. Review status: criteria provided, single submitter. Criteria: ACMG Guidelines, 2015. Collection method: clinical testing. Allele origin: germline. Affected: yes. Observed: 5 variant alleles.

Fulgent Genetics
Classification: Likely pathogenic for Tyrosinase-positive oculocutaneous albinism; SKIN/HAIR/EYE PIGMENTATION 1, BLUE/NONBLUE EYES. Last evaluated: 2024-03-27. Review status: criteria provided, single submitter. Criteria: ACMG Guidelines, 2015. Collection method: clinical testing. Allele origin: germline.

GeneDx
Classification: Likely pathogenic. Last evaluated: 2023-03-21. Review status: criteria provided, single submitter. Criteria: GeneDx Variant Classification Process June 2021. Collection method: clinical testing. Allele origin: germline. Affected: yes.
Comment: In silico analysis supports that this missense variant has a deleterious effect on protein structure/function; This variant is associated with the following publications: (PMID: 23165166, 29345414, 12713581, 34838614)

Genome-Nilou Lab
Classification: Likely benign for Tyrosinase-positive oculocutaneous albinism. Last evaluated: 2021-11-07. Review status: flagged submission. Criteria: ACMG Guidelines, 2015. Collection method: clinical testing. Allele origin: germline. Affected: no. Not counted in ClinVar's aggregate classification.
ClinVar note: Reason: Outlier claim with insufficient supporting evidence

Literature cited by the submitters: PubMed 29345414 (cited by 3 submitters); PubMed 34838614 (cited by Illumina Laboratory Services, Illumina and Women's Health and Genetics/Laboratory Corporation of America, LabCorp).

NM_000275.3(OCA2):c.1160C>T (p.Thr387Met)

Gene: OCA2 (OCA2 melanosomal transmembrane protein; minus strand). Cytogenetic location: 15q13.1.
Variant type: single nucleotide variant.
Coding change: c.1160C>T on transcript NM_000275.3 (MANE Select); coding-DNA position 1160, C replaced by T.
Protein change: p.Thr387Met; replaces threonine 387 with methionine.
Molecular consequence: missense variant.
Genome position (GRCh38, 1-based): chr15:27,989,623, G>A on the plus strand (C>T on the coding strand, the complement: OCA2 is on the minus strand). VCF-style: chr15-27989623-G-A. GRCh37 (hg19) VCF-style: chr15-28234769-G-A.
Other names: c.1088C>T, p.Thr363Met (NM_001300984.2); short protein forms T387M, T363M.
Identifiers: ClinVar variation 888403 (VCV000888403.15), dbSNP rs150335311, ClinGen allele CA7439186.